The following is an entry in ClinVar:

NM_005529.7(HSPG2):c.11920G>A (p.Gly3974Arg)

Gene: HSPG2 (heparan sulfate proteoglycan 2; minus strand). Cytogenetic location: 1p36.12.
Variant type: single nucleotide variant.
Coding change: c.11920G>A on transcript NM_005529.7 (MANE Select); coding-DNA position 11920, G replaced by A.
Protein change: p.Gly3974Arg; replaces glycine 3974 with arginine.
Molecular consequence: missense variant.
Genome position (GRCh38, 1-based): chr1:21,829,455, C>T on the plus strand (G>A on the coding strand, the complement: HSPG2 is on the minus strand). VCF-style: chr1-21829455-C-T. GRCh37 (hg19) VCF-style: chr1-22155948-C-T.
Other names: c.11923G>A, p.Gly3975Arg (NM_001291860.2); c.11920G>A (NM_005529.5); short protein forms G3974R, G3975R.
Identifiers: ClinVar variation 1048982 (VCV001048982.10), dbSNP rs370471445, ClinGen allele CA669578.

ClinVar aggregate classification (germline): Uncertain significance. Review status: criteria provided, multiple submitters, no conflicts (2 of 4 stars). 4 submissions from 4 submitters: Uncertain significance (3). 1 of the submissions does not count toward it. Last evaluated 2025-12-08.

Conditions:
Inborn genetic diseases. Identifiers: MedGen C0950123, MeSH D030342.
Connective tissue disorder. Also called: Connective tissue disease. Identifiers: MedGen C0009782, MONDO:0003900.

Allele frequency attached by ClinVar (database versions not stated): ESP Exome Variant Server 0.00008; ExAC 0.00009; gnomAD exomes 0.00018; gnomAD 0.00024 and 0.00025; TOPMed 0.00029; 1000 Genomes Project 0.00060; 1000 Genomes Project 30x 0.00062.
gnomAD v4.1: 119 of 1,613,364 alleles (0.0074%); highest among the groups gnomAD compares: Admixed American, 0.15%; 2 homozygotes.

Submissions (4):

Labcorp Genetics (formerly Invitae), Labcorp
Classification: Uncertain significance. Last evaluated: 2025-12-08. Review status: criteria provided, single submitter. Criteria: Invitae Variant Classification Sherloc (09022015). Collection method: clinical testing. Allele origin: germline.
Comment: This sequence change replaces glycine, which is neutral and non-polar, with arginine, which is basic and polar, at codon 3974 of the HSPG2 protein (p.Gly3974Arg). This variant is present in population databases (rs370471445, gnomAD 0.09%), including at least one homozygous and/or hemizygous individual. This variant has not been reported in the literature in individuals affected with HSPG2-related conditions. ClinVar contains an entry for this variant (Variation ID: 1048982). An algorithm developed to predict the effect of missense changes on protein structure and function (PolyPhen-2) suggests that this variant is likely to be disruptive. In summary, the available evidence is currently insufficient to determine the role of this variant in disease. Therefore, it has been classified as a Variant of Uncertain Significance.

Ambry Genetics
Classification: Uncertain significance for Inborn genetic diseases. Last evaluated: 2025-04-02. Review status: criteria provided, single submitter. Criteria: Ambry Variant Classification Scheme 2023. Collection method: clinical testing. Allele origin: germline.

Genome Diagnostics Laboratory, The Hospital for Sick Children
Classification: Uncertain significance for Connective tissue disorder. Last evaluated: 2020-10-22. Review status: criteria provided, single submitter. Criteria: ACMG Guidelines, 2015. Collection method: clinical testing. Allele origin: germline.

Department of Pathology and Laboratory Medicine, Sinai Health System
Classification: Uncertain significance. Review status: no assertion criteria provided. Collection method: clinical testing. Allele origin: unknown. Affected: yes. Study: The Canadian Open Genetics Repository (COGR). Not counted in ClinVar's aggregate classification.
Comment: The HSPG2Â¬â€ p.G3974RÂ¬â€ variant was not identified in the literature nor was it identified in ClinVar. The variant was identified in dbSNP (ID: rs370471445) and in control databases in 47 of 281610 chromosomes (1 homozygote) at a frequency of 0.0001669, and was observed at the highest frequency in the Latino population in 33 of 35404 chromosomes (1 homozygous) (freq: 0.0009321) (Genome Aggregation Database March 6, 2019, v2.1.1). The p.G3974 residue is conserved in mammals however computational analyses (MUT Assesor, PolyPhen-2, SIFT, MutationTaster, Revel, FATHMM, MetaLR, DANN) do not suggest a high likelihood of impact to the protein; this information is not very predictive of pathogenicity.Â¬â€ The variant occurs outside of the splicing consensus sequence and in silico or computational prediction software programs (Splice AI exome) do not predict a difference in splicing. In summary, based on the above information the clinical significance of this variant cannot be determined with certainty at this time. This variant is classified as a variant of uncertain significance.